The following is an entry in ClinVar:

NM_001244008.2(KIF1A):c.254C>A (p.Ala85Asp)

Gene: KIF1A (kinesin family member 1A; minus strand). Cytogenetic location: 2q37.3.
Variant type: single nucleotide variant.
Coding change: c.254C>A on transcript NM_001244008.2 (MANE Select); coding-DNA position 254, C replaced by A.
Protein change: p.Ala85Asp; replaces alanine 85 with aspartic acid.
Molecular consequence: missense variant.
Genome position (GRCh38, 1-based): chr2:240,788,160, G>T on the plus strand (C>A on the coding strand, the complement: KIF1A is on the minus strand). VCF-style: chr2-240788160-G-T. GRCh37 (hg19) VCF-style: chr2-241727577-G-T.
Other names: c.254C>A, p.Ala85Asp (NM_001320705.2, NM_001330289.2, NM_001330290.2 and 20 more transcripts); short protein forms A85D.
Identifiers: ClinVar variation 432584 (VCV000432584.5), dbSNP rs1553639041, ClinGen allele CA351310589.
Genomic context (GRCh38, chr2:240,788,160, plus strand): 5'-TAGGACTTGCCGGCACCCGTCTGCCCATAGGCGAAGATGCACACGTTGTATCCCTCAAAG[G>T]CATGCTGCAGCATCTCCTCGCCGATGTCCCGGTACACCTGCTTCTGCGACGCGTAGTTGA-3'
Protein context (NP_001230937.1, residues 75-95): RDIGEEMLQH[Ala85Asp]FEGYNVCIFA

ClinVar aggregate classification (germline): Pathogenic/Likely pathogenic. Review status: criteria provided, multiple submitters, no conflicts (2 of 4 stars). 2 submissions from 2 submitters: Pathogenic (1); Likely pathogenic (1). Last evaluated 2023-11-27.

Conditions:
Hereditary spastic paraplegia 30. Identifiers: Orphanet 101010, MedGen C5235139, MONDO:0012476.
Neuropathy, hereditary sensory, type 2C. Also called: Hereditary sensory and autonomic neuropathy type IIC; KIF1A-Related HSAN2 (HSAN2C). Identifiers: Orphanet 970, MedGen C3280168, MONDO:0013634, OMIM 614213.
Intellectual disability, autosomal dominant 9 (NESCAVS). Also called: KIF1A-Related Neurodevelopmental Disorder; NESCAV SYNDROME. Identifiers: Orphanet 662367, MedGen C5393830, MONDO:0013656, OMIM 614255.

Submissions (2):

Labcorp Genetics (formerly Invitae), Labcorp
Classification: Pathogenic for Hereditary spastic paraplegia 30; Neuropathy, hereditary sensory, type 2C; Intellectual disability, autosomal dominant 9. Last evaluated: 2023-11-27. Review status: criteria provided, single submitter. Criteria: Invitae Variant Classification Sherloc (09022015). Collection method: clinical testing. Allele origin: germline.
Comment: This sequence change replaces alanine, which is neutral and non-polar, with aspartic acid, which is acidic and polar, at codon 85 of the KIF1A protein (p.Ala85Asp). This variant is not present in population databases (gnomAD no frequency). This missense change has been observed in individual(s) with autosomal dominant hereditary spastic paraplegia (PMID: 30582020). In at least one individual the variant was observed to be de novo. ClinVar contains an entry for this variant (Variation ID: 432584). Advanced modeling of protein sequence and biophysical properties (such as structural, functional, and spatial information, amino acid conservation, physicochemical variation, residue mobility, and thermodynamic stability) performed at Invitae indicates that this missense variant is expected to disrupt KIF1A protein function with a positive predictive value of 95%. For these reasons, this variant has been classified as Pathogenic.

GeneDx
Classification: Likely pathogenic. Last evaluated: 2017-07-14. Review status: criteria provided, single submitter. Criteria: GeneDx Variant Classification (06012015). Collection method: clinical testing. Allele origin: germline. Affected: yes.
Comment: The A85D variant in the KIF1A gene has not been published as a pathogenic variant, nor has it been reported as a benign variant to our knowledge. The A85D variant is not observed in large population cohorts (Lek et al., 2016; 1000 Genomes Consortium et al., 2015; Exome Variant Server). The A85D variant is a non-conservative amino acid substitution, which is likely to impact secondary protein structure as these residues differ in polarity, charge, size and/or other properties. This substitution occurs at a position that is conserved across species and in silico analysis predicts this variant is probably damaging to the protein structure/function. Additionally, this amino acid substitution does occur within the predicted motor domain of the protein, where all pathogenic missense KIF1A pathogenic variants have been identified to-date (Lee et al., 2014). We interpret A85D as a likely pathogenic variant.

Literature cited by the submitters: PubMed 30582020 (cited by Labcorp Genetics (formerly Invitae), Labcorp).